The following is an entry in ClinVar:

NM_004208.4(AIFM1):c.1794T>C (p.His598=)

Genes: AIFM1 (apoptosis inducing factor mitochondria associated 1; minus strand), RAB33A (RAB33A, member RAS oncogene family; plus strand). Cytogenetic location: Xq26.1.
Variant type: single nucleotide variant.
Coding change: c.1794T>C on transcript NM_004208.4 (MANE Select); coding-DNA position 1794, T replaced by C.
Protein change: p.His598=; no amino-acid change (histidine 598 retained).
Molecular consequence: synonymous variant. On other transcripts: 3 prime UTR variant (1), non-coding transcript variant (1).
Genome position (GRCh38, 1-based): chrX:130,129,605, A>G on the plus strand (T>C on the coding strand, the complement: AIFM1 is on the minus strand). VCF-style: chrX-130129605-A-G. GRCh37 (hg19) VCF-style: chrX-129263580-A-G.
Other names: c.777T>C, p.His259= (NM_001130846.4); c.*1022T>C (NM_001130847.4); c.1782T>C, p.His594= (NM_145812.3).
Identifiers: ClinVar variation 515891 (VCV000515891.7), dbSNP rs768648610, ClinGen allele CA10515208.

ClinVar aggregate classification (germline): Likely benign. Review status: criteria provided, multiple submitters, no conflicts (2 of 4 stars). 3 submissions from 3 submitters: Likely benign (3). Last evaluated 2022-10-21.

Conditions:
Charcot-Marie-Tooth Neuropathy X. Identifiers: MedGen CN118851.
Combined oxidative phosphorylation deficiency. Identifiers: MedGen C4540031, MONDO:0000732.
Inborn genetic diseases. Identifiers: MedGen C0950123, MeSH D030342.

Allele frequency attached by ClinVar (database versions not stated): ExAC 0.00002; gnomAD 0.00002; gnomAD exomes 0.00002 and below 0.00001; TOPMed 0.00002.
gnomAD v4.1: 8 of 1,208,246 alleles (0.00066%); highest among the groups gnomAD compares: East Asian, 0.018%; no homozygotes.

Submissions (3):

Labcorp Genetics (formerly Invitae), Labcorp
Classification: Likely benign for Charcot-Marie-Tooth Neuropathy X; Combined oxidative phosphorylation deficiency. Last evaluated: 2022-10-21. Review status: criteria provided, single submitter. Criteria: Invitae Variant Classification Sherloc (09022015). Collection method: clinical testing. Allele origin: germline.

Ambry Genetics
Classification: Likely benign for Inborn genetic diseases. Last evaluated: 2019-07-11. Review status: criteria provided, single submitter. Criteria: Ambry Variant Classification Scheme 2023. Collection method: clinical testing. Allele origin: germline.

GeneDx
Classification: Likely benign. Last evaluated: 2018-03-09. Review status: criteria provided, single submitter. Criteria: GeneDx Variant Classification (06012015). Collection method: clinical testing. Allele origin: germline. Affected: yes.
Comment: This variant is considered likely benign or benign based on one or more of the following criteria: it is a conservative change, it occurs at a poorly conserved position in the protein, it is predicted to be benign by multiple in silico algorithms, and/or has population frequency not consistent with disease.